The following is an entry in ClinVar:

ClinVar aggregate classification (germline): Uncertain significance (1 of 4 stars; one submission).

Conditions:
Cardiovascular phenotype. Identifiers: MedGen CN230736.

Allele frequency attached by ClinVar (database versions not stated): TOPMed 0.00001.

Submission:

Ambry Genetics
Classification: Uncertain significance for Cardiovascular phenotype. Last evaluated: 2023-05-29. Review status: criteria provided, single submitter. Criteria: Ambry Variant Classification Scheme 2023. Collection method: clinical testing. Allele origin: germline.
Comment: The p.H2398Y variant (also known as c.7192C>T), located in coding exon 2 of the ZNF469 gene, results from a C to T substitution at nucleotide position 7192. The histidine at codon 2398 is replaced by tyrosine, an amino acid with similar properties. This amino acid position is conserved. In addition, this alteration is predicted to be tolerated by in silico analysis. Since supporting evidence is limited at this time, the clinical significance of this alteration remains unclear.

NM_001367624.2(ZNF469):c.7276C>T (p.His2426Tyr)

Gene: ZNF469 (zinc finger protein 469; plus strand). Cytogenetic location: 16q24.2.
Variant type: single nucleotide variant.
Coding change: c.7276C>T on transcript NM_001367624.2 (MANE Select); coding-DNA position 7276, C replaced by T.
Protein change: p.His2426Tyr; replaces histidine 2426 with tyrosine.
Molecular consequence: missense variant.
Genome position (GRCh38, 1-based): chr16:88,434,746, C>T. VCF-style: chr16-88434746-C-T. GRCh37 (hg19) VCF-style: chr16-88501154-C-T.
Other names: NM_001127464.1:c.7192C>T; short protein forms H2426Y.
Identifiers: ClinVar variation 2561858 (VCV002561858.2), dbSNP rs1906449488, ClinGen allele CA397109096.
Genomic context (GRCh38, chr16:88,434,746, plus strand): 5'-GGAAGAACCACAGCCCCAAGCAGCACAGCCAGTGACTTCCAGTCTGACTCCCCCCAAAGC[C>T]ACAGAAATGCCTCCCACCAGACTCCCCAGGGGGACCCCCTCGGCCCCCAAGACCTCAAAC-3'
Protein context (NP_001354553.1, residues 2416-2436): SDFQSDSPQS[His2426Tyr]RNASHQTPQG